The following is an entry in ClinVar:

NM_006623.4(PHGDH):c.1499del (p.Val500fs)

Gene: PHGDH (phosphoglycerate dehydrogenase; plus strand). Cytogenetic location: 1p12.
Variant type: Deletion.
Coding change: c.1499del on transcript NM_006623.4 (MANE Select); coding-DNA position 1499, one base deleted (T; older notation c.1499delT).
Protein change: p.Val500fs; shifts the reading frame from valine 500.
Molecular consequence: frameshift variant.
Genome position (GRCh38, 1-based): chr1:119,743,937, T deleted. VCF-style (leftmost placement, unchanged base first): chr1-119743936-GT-G. GRCh37 (hg19) VCF-style: chr1-120286559-GT-G.
Other names: short protein forms V500fs.
Identifiers: ClinVar variation 2031299 (VCV002031299.4), dbSNP rs2464209283, ClinGen allele CA2580060911.

ClinVar aggregate classification (germline): Pathogenic (1 of 4 stars; one submission).

Conditions:
PHGDH deficiency. Identifiers: Orphanet 79351, MedGen C1866174, MONDO:0011152, OMIM 601815.

Submission:

Labcorp Genetics (formerly Invitae), Labcorp
Classification: Pathogenic for PHGDH deficiency. Last evaluated: 2021-12-13. Review status: criteria provided, single submitter. Criteria: Invitae Variant Classification Sherloc (09022015). Collection method: clinical testing. Allele origin: germline.
Comment: Algorithms developed to predict the effect of sequence changes on RNA splicing suggest that this variant may create or strengthen a splice site. This variant has not been reported in the literature in individuals affected with PHGDH-related conditions. This variant is not present in population databases (gnomAD no frequency). This sequence change creates a premature translational stop signal (p.Val500Glyfs*26) in the PHGDH gene. While this is not anticipated to result in nonsense mediated decay, it is expected to disrupt the last 34 amino acid(s) of the PHGDH protein. This variant disrupts a region of the PHGDH protein in which other variant(s) (p.Trp506*) have been determined to be pathogenic (PMID: 30348640). This suggests that this is a clinically significant region of the protein, and that variants that disrupt it are likely to be disease-causing. For these reasons, this variant has been classified as Pathogenic.

Literature cited by the submitters: PubMed 30348640.